The following is an entry in ClinVar:

ClinVar aggregate classification (germline): Conflicting classifications of pathogenicity. Review status: criteria provided, conflicting classifications (1 of 4 stars). 4 submissions from 4 submitters: Uncertain significance (2); Likely benign (2). Last evaluated 2026-01-18.

Conditions:
Hereditary spastic paraplegia 39 (SPG39). Also called: Spastic Paraplegia Type 39 (SPG39); SPASTIC PARAPLEGIA 39, AUTOSOMAL RECESSIVE. Identifiers: Orphanet 139480, MedGen C2677586, MONDO:0012787, OMIM 612020.

Allele frequency attached by ClinVar (database versions not stated): gnomAD 0.00009 and 0.00010; TOPMed 0.00028.
gnomAD v4.1: 153 of 1,612,646 alleles (0.0095%); highest among the groups gnomAD compares: Admixed American, 0.21%; no homozygotes.

Submissions (4):

Labcorp Genetics (formerly Invitae), Labcorp
Classification: Likely benign for Hereditary spastic paraplegia 39. Last evaluated: 2026-01-18. Review status: criteria provided, single submitter. Criteria: Invitae Variant Classification Sherloc (09022015). Collection method: clinical testing. Allele origin: germline.

Blueprint Genetics
Classification: Likely benign. Last evaluated: 2023-08-25. Review status: criteria provided, single submitter. Criteria: ACMG Guidelines, 2015. Collection method: clinical testing. Allele origin: germline.

Mayo Clinic Laboratories, Mayo Clinic
Classification: Uncertain significance. Last evaluated: 2022-12-23. Review status: criteria provided, single submitter. Criteria: ACMG Guidelines, 2015. Collection method: clinical testing. Allele origin: germline. Observed: 1 variant allele.
Comment: BP4

Athena Diagnostics
Classification: Uncertain significance. Last evaluated: 2017-12-06. Review status: criteria provided, single submitter. Criteria: Athena Diagnostics Criteria. Collection method: clinical testing. Allele origin: germline.

NM_001166114.2(PNPLA6):c.1357G>A (p.Ala453Thr)

Gene: PNPLA6 (patatin like domain 6, lysophospholipase; plus strand). Cytogenetic location: 19p13.2.
Variant type: single nucleotide variant.
Coding change: c.1357G>A on transcript NM_001166114.2 (MANE Select); coding-DNA position 1357, G replaced by A.
Protein change: p.Ala453Thr; replaces alanine 453 with threonine.
Molecular consequence: missense variant.
Genome position (GRCh38, 1-based): chr19:7,542,665, G>A. VCF-style: chr19-7542665-G-A. GRCh37 (hg19) VCF-style: chr19-7607551-G-A.
Other names: p.Ala414Thr; c.1384G>A, p.Ala462Thr (NM_001166111.2); c.1240G>A, p.Ala414Thr (NM_001166112.2, NM_001166113.1, NM_006702.5); short protein forms A414T, A462T, A453T.
Identifiers: ClinVar variation 586351 (VCV000586351.14), dbSNP rs761591000, ClinGen allele CA9139778.